The following is an entry in ClinVar:

ClinVar aggregate classification (germline): Likely pathogenic (0 of 4 stars; one submission).

Conditions:
Aortic aneurysm, familial thoracic 4 (AAT4). Also called: AORTIC ANEURYSM/AORTIC DISSECTION AND PATENT DUCTUS ARTERIOSUS. Identifiers: MedGen C1851504, MONDO:0007568, OMIM 132900.

Submission:

Diagnostics Centre, Carl Von Ossietzky University Oldenburg
Classification: Likely pathogenic for Aortic aneurysm, familial thoracic 4. Last evaluated: 2026-02-04. Review status: no assertion criteria provided. Collection method: clinical testing. Allele origin: germline. Affected: yes. Observed: 1 variant allele.
Comment: The variant NM_000090.4(COL3A1):c.836del p.(Gly279Valfs*5) located in the exon 11 of the COL3A1 causes a frameshift at protein position 279 and the formation of a premature stop codon after 5 amino acids. The altered gene product is predicted to be degraded by nonsense-mediated decay in a gene where loss-of-function is a known mechanism of disease. The variant has not previously been reported in ClinVar or in any publications known to us. In the general population, this variant is considered very rare, as it has not been reported in gnomAD. In summary, this variant is classified as Likely pathogenic.

NM_000090.4(COL3A1):c.836del (p.Gly279fs)

Gene: COL3A1 (collagen type III alpha 1 chain; plus strand). Cytogenetic location: 2q32.2.
Variant type: Deletion.
Coding change: c.836del on transcript NM_000090.4 (MANE Select); coding-DNA position 836, one base deleted (G; older notation c.836delG).
Protein change: p.Gly279fs; shifts the reading frame from glycine 279.
Molecular consequence: frameshift variant.
Genome position (GRCh38, 1-based): chr2:188,991,041, G deleted; the last of 2 consecutive G bases (chr2:188,991,040-188,991,041); deleting either gives the same sequence. VCF-style (leftmost placement, unchanged base first): chr2-188991039-AG-A. GRCh37 (hg19) VCF-style: chr2-189855765-AG-A.
Other names: short protein forms G279fs.
Identifiers: ClinVar variation 4886816 (VCV004886816.1).